The following is an entry in ClinVar:

NM_000245.4(MET):c.1859A>G (p.Asn620Ser)

Gene: MET (MET proto-oncogene, receptor tyrosine kinase; plus strand). Cytogenetic location: 7q31.2.
Variant type: single nucleotide variant.
Coding change: c.1859A>G on transcript NM_000245.4 (MANE Select); coding-DNA position 1859, A replaced by G.
Protein change: p.Asn620Ser; replaces asparagine 620 with serine.
Molecular consequence: missense variant.
Genome position (GRCh38, 1-based): chr7:116,755,512, A>G. VCF-style: chr7-116755512-A-G. GRCh37 (hg19) VCF-style: chr7-116395566-A-G.
Other names: c.1859A>G, p.Asn620Ser (NM_001127500.3, NM_001324401.3); c.569A>G, p.Asn190Ser (NM_001324402.2); short protein forms N190S, N620S.
Identifiers: ClinVar variation 1522865 (VCV001522865.8), dbSNP rs2116911133, ClinGen allele CA368978392.

ClinVar aggregate classification (germline): Uncertain significance (1 of 4 stars; one submission).

Conditions:
Renal cell carcinoma. Identifiers: Orphanet 217071, MedGen C0007134, MeSH D002292, MONDO:0005086, HP:0005584.

Submission:

Labcorp Genetics (formerly Invitae), Labcorp
Classification: Uncertain significance for Renal cell carcinoma. Last evaluated: 2021-04-04. Review status: criteria provided, single submitter. Criteria: Invitae Variant Classification Sherloc (09022015). Collection method: clinical testing. Allele origin: germline.
Comment: In summary, the available evidence is currently insufficient to determine the role of this variant in disease. Therefore, it has been classified as a Variant of Uncertain Significance. Algorithms developed to predict the effect of sequence changes on RNA splicing suggest that this variant may create or strengthen a splice site, but this prediction has not been confirmed by published transcriptional studies. Algorithms developed to predict the effect of missense changes on protein structure and function are either unavailable or do not agree on the potential impact of this missense change (SIFT: "Tolerated"; PolyPhen-2: "Probably Damaging"; Align-GVGD: "Class C0"). This variant has not been reported in the literature in individuals with MET-related conditions. This variant is not present in population databases (ExAC no frequency). This sequence change replaces asparagine with serine at codon 620 of the MET protein (p.Asn620Ser). The asparagine residue is highly conserved and there is a small physicochemical difference between asparagine and serine.